The following is an entry in ClinVar:

ClinVar aggregate classification (germline): Uncertain significance (1 of 4 stars; one submission).

Conditions:
Dilated cardiomyopathy 1JJ (CMD1JJ). Identifiers: Orphanet 154, MedGen C3808935, MONDO:0014095, OMIM 615235.

Submission:

Labcorp Genetics (formerly Invitae), Labcorp
Classification: Uncertain significance for Dilated cardiomyopathy 1JJ. Last evaluated: 2021-11-01. Review status: criteria provided, single submitter. Criteria: Invitae Variant Classification Sherloc (09022015). Collection method: clinical testing. Allele origin: germline.
Comment: In summary, the available evidence is currently insufficient to determine the role of this variant in disease. Therefore, it has been classified as a Variant of Uncertain Significance. This variant has not been reported in the literature in individuals affected with LAMA4-related conditions. This variant is not present in population databases (gnomAD no frequency). This sequence change creates a premature translational stop signal (p.Val1008*) in the LAMA4 gene. It is expected to result in an absent or disrupted protein product. However, the current clinical and genetic evidence is not sufficient to establish whether loss-of-function variants in LAMA4 cause disease.

NM_001105206.3(LAMA4):c.3043del (p.Asp1014_Val1015insTer)

Gene: LAMA4 (laminin subunit alpha 4; minus strand). Cytogenetic location: 6q21.
Variant type: Deletion.
Coding change: c.3043del on transcript NM_001105206.3 (MANE Select); coding-DNA position 3043, one base deleted (G; older notation c.3043delG).
Protein change: p.Asp1014_Val1015insTer.
Molecular consequence: nonsense.
Genome position (GRCh38, 1-based): chr6:112,139,819, C deleted on the plus strand (G on the coding strand, the reverse complement: LAMA4 is on the minus strand). VCF-style (leftmost placement, unchanged base first): chr6-112139818-AC-A. GRCh37 (hg19) VCF-style: chr6-112461020-AC-A.
Other names: c.3022del, p.Asp1007_Val1008insTer (NM_001105207.3, NM_002290.5).
Identifiers: ClinVar variation 1347330 (VCV001347330.6), dbSNP rs2114694715, ClinGen allele CA2573140407.